The following is an entry in ClinVar:

NM_001244008.2(KIF1A):c.2194C>T (p.Arg732Trp)

Gene: KIF1A (kinesin family member 1A; minus strand). Cytogenetic location: 2q37.3.
Variant type: single nucleotide variant.
Coding change: c.2194C>T on transcript NM_001244008.2 (MANE Select); coding-DNA position 2194, C replaced by T.
Protein change: p.Arg732Trp; replaces arginine 732 with tryptophan.
Molecular consequence: missense variant.
Genome position (GRCh38, 1-based): chr2:240,761,300, G>A on the plus strand (C>T on the coding strand, the complement: KIF1A is on the minus strand). VCF-style: chr2-240761300-G-A. GRCh37 (hg19) VCF-style: chr2-241700717-G-A.
Other names: c.2194C>T, p.Arg732Trp (NM_001320705.2, NM_001330289.2, NM_001379638.1); c.2269C>T, p.Arg757Trp (NM_001330290.2, NM_001379631.1, NM_001379634.1 and 2 more transcripts); c.2167C>T, p.Arg723Trp (NM_001379632.1, NM_001379633.1, NM_001379636.1 and 10 more transcripts); c.2242C>T, p.Arg748Trp (NM_001379637.1, NM_001379648.1); short protein forms R723W, R732W, R748W, R757W.
Identifiers: ClinVar variation 1344375 (VCV001344375.6), dbSNP rs750310823, ClinGen allele CA2208161.

ClinVar aggregate classification (germline): Uncertain significance. Review status: criteria provided, multiple submitters, no conflicts (2 of 4 stars). 3 submissions from 3 submitters: Uncertain significance (3). Last evaluated 2024-07-09.

Conditions:
Hereditary spastic paraplegia. Also called: Familial spastic paraparesis. Identifiers: Orphanet 685, MedGen C0037773, MONDO:0019064. Disease mechanism: loss of function.
Neuropathy, hereditary sensory, type 2C. Also called: KIF1A-Related HSAN2 (HSAN2C); Hereditary sensory and autonomic neuropathy type IIC. Identifiers: Orphanet 970, MedGen C3280168, MONDO:0013634, OMIM 614213.
Intellectual disability, autosomal dominant 9 (NESCAVS). Also called: KIF1A-Related Neurodevelopmental Disorder; NESCAV SYNDROME. Identifiers: Orphanet 662367, MedGen C5393830, MONDO:0013656, OMIM 614255.
Hereditary spastic paraplegia 30. Identifiers: Orphanet 101010, MedGen C5235139, MONDO:0012476.

Allele frequency attached by ClinVar (database versions not stated): ExAC 0.00001.

Submissions (3):

Labcorp Genetics (formerly Invitae), Labcorp
Classification: Uncertain significance for Hereditary spastic paraplegia 30; Neuropathy, hereditary sensory, type 2C; Intellectual disability, autosomal dominant 9. Last evaluated: 2024-07-09. Review status: criteria provided, single submitter. Criteria: Invitae Variant Classification Sherloc (09022015). Collection method: clinical testing. Allele origin: germline.
Comment: This sequence change replaces arginine, which is basic and polar, with tryptophan, which is neutral and slightly polar, at codon 723 of the KIF1A protein (p.Arg723Trp). This variant is not present in population databases (gnomAD no frequency). This variant has not been reported in the literature in individuals affected with KIF1A-related conditions. ClinVar contains an entry for this variant (Variation ID: 1344375). Advanced modeling of protein sequence and biophysical properties (such as structural, functional, and spatial information, amino acid conservation, physicochemical variation, residue mobility, and thermodynamic stability) has been performed at Invitae for this missense variant, however the output from this modeling did not meet the statistical confidence thresholds required to predict the impact of this variant on KIF1A protein function. In summary, the available evidence is currently insufficient to determine the role of this variant in disease. Therefore, it has been classified as a Variant of Uncertain Significance.

GeneDx
Classification: Uncertain significance. Last evaluated: 2023-01-05. Review status: criteria provided, single submitter. Criteria: GeneDx Variant Classification Process June 2021. Collection method: clinical testing. Allele origin: germline. Affected: yes.
Comment: Not observed at significant frequency in large population cohorts (gnomAD); In silico analysis supports that this missense variant has a deleterious effect on protein structure/function; Has not been previously published as pathogenic or benign to our knowledge

Genome Diagnostics Laboratory, The Hospital for Sick Children
Classification: Uncertain significance for Hereditary spastic paraplegia. Last evaluated: 2016-12-12. Review status: criteria provided, single submitter. Criteria: ACMG Guidelines, 2015. Collection method: clinical testing. Allele origin: germline. Affected: yes.